The following is an entry in ClinVar:

NM_000245.4(MET):c.3562G>A (p.Val1188Ile)

Gene: MET (MET proto-oncogene, receptor tyrosine kinase; plus strand). Cytogenetic location: 7q31.2.
Variant type: single nucleotide variant.
Coding change: c.3562G>A on transcript NM_000245.4 (MANE Select); coding-DNA position 3562, G replaced by A.
Protein change: p.Val1188Ile; replaces valine 1188 with isoleucine.
Molecular consequence: missense variant.
Genome position (GRCh38, 1-based): chr7:116,782,027, G>A. VCF-style: chr7-116782027-G-A. GRCh37 (hg19) VCF-style: chr7-116422081-G-A.
Other names: c.3616G>A, p.Val1206Ile (NM_001127500.3); c.2272G>A, p.Val758Ile (NM_001324402.2); c.3616G>A (LRG_662t1); short protein forms V1206I, V1188I, V758I.
Identifiers: ClinVar variation 524887 (VCV000524887.10), dbSNP rs121913669, ClinGen allele CA4448748.

ClinVar aggregate classification (germline): Uncertain significance (1 of 4 stars; one submission).

Conditions:
Renal cell carcinoma. Identifiers: Orphanet 217071, MedGen C0007134, MeSH D002292, MONDO:0005086, HP:0005584.

Allele frequency attached by ClinVar (database versions not stated): ExAC 0.00001; gnomAD exomes below 0.00001.

Submission:

Labcorp Genetics (formerly Invitae), Labcorp
Classification: Uncertain significance for Renal cell carcinoma. Last evaluated: 2017-11-08. Review status: criteria provided, single submitter. Criteria: Invitae Variant Classification Sherloc (09022015). Collection method: clinical testing. Allele origin: germline.
Comment: This sequence change replaces valine with isoleucine at codon 1206 of the MET protein (p.Val1206Ile). The valine residue is highly conserved and there is a small physicochemical difference between valine and isoleucine. This variant is present in population databases (rs121913669, ExAC 0.01%). In summary, the available evidence is currently insufficient to determine the role of this variant in disease. Therefore, it has been classified as a Variant of Uncertain Significance. Algorithms developed to predict the effect of missense changes on protein structure and function (SIFT, PolyPhen-2, Align-GVGD) all suggest that this variant is likely to be disruptive, but these predictions have not been confirmed by published functional studies and their clinical significance is uncertain. This variant has not been reported in the literature in individuals with MET-related disease.